The following is an entry in ClinVar:

ClinVar aggregate classification (germline): Uncertain significance (1 of 4 stars; one submission).

Conditions:
Hypertrophic cardiomyopathy. Also called: HYPERTROPHIC MYOCARDIOPATHY. Identifiers: Orphanet 217569, MedGen C0007194, MeSH D002312, MONDO:0005045, HP:0001639.

Submission:

All of Us Research Program, National Institutes of Health
Classification: Uncertain significance for Hypertrophic cardiomyopathy. Last evaluated: 2023-11-30. Review status: criteria provided, single submitter. Criteria: ACMG Guidelines, 2015. Collection method: clinical testing. Allele origin: germline. Inheritance: Autosomal dominant inheritance. Observed: 1 variant allele, 1 heterozygote.
Comment: This study involves interpretation of variants in research participants for the purpose of population health screening. Participant phenotype was not available at the time of variant classification. Additional details can be found in publication PMID: 35346344, PMCID: PMC8962531

NM_005159.5(ACTC1):c.809-1G>C

Genes: GJD2-DT (GJD2 divergent transcript; plus strand), ACTC1 (actin alpha cardiac muscle 1; minus strand). Cytogenetic location: 15q14.
Variant type: single nucleotide variant.
Coding change: c.809-1G>C on transcript NM_005159.5 (MANE Select); the canonical splice acceptor site of the intron before coding-DNA position 809, G replaced by C.
Molecular consequence: splice acceptor variant.
Genome position (GRCh38, 1-based): chr15:34,791,296, C>G on the plus strand (G>C on the coding strand, the complement: ACTC1 is on the minus strand). VCF-style: chr15-34791296-C-G. GRCh37 (hg19) VCF-style: chr15-35083497-C-G.
Other names: c.809-1G>C (NM_001406483.1, NM_001406482.1); c.368-1G>C (NM_001406485.1); c.674-1G>C (NM_001406484.1).
Identifiers: ClinVar variation 3073073 (VCV003073073.1), dbSNP rs1566967122, ClinGen allele CA391629674.
Genomic context (GRCh38, chr15:34,791,296, plus strand): 5'-CAATGTCACACTTCATGATGCTATTGTAAGTTGTTTCATGGATGCCAGCAGATTCCATAC[C>G]TGGGAACGAGTCACACACACACACACACACACACACACACACACACACACACACACATCA-3'